The following is an entry in ClinVar:

NM_000179.3(MSH6):c.3155_3156del (p.Glu1052fs)

Gene: MSH6 (mutS homolog 6; plus strand). Cytogenetic location: 2p16.3.
Variant type: Microsatellite.
Coding change: c.3155_3156del on transcript NM_000179.3 (MANE Select); coding-DNA positions 3155 to 3156, 2 bases deleted (AG; older notation c.3155_3156delAG).
Protein change: p.Glu1052fs; shifts the reading frame from glutamic acid 1052.
Molecular consequence: frameshift variant.
Genome position (GRCh38, 1-based): chr2:47,801,138-47,801,139, AG deleted; deleting any 2 consecutive bases within chr2:47,801,136-47,801,139 gives the same sequence; the c. name uses the placement nearest the transcript's 3' end. VCF-style (leftmost placement, unchanged base first): chr2-47801135-TAG-T. GRCh37 (hg19) VCF-style: chr2-48028274-TAG-T.
Other names: c.2765_2766del, p.Glu922fs (NM_001281492.2); c.2249_2250del, p.Glu750fs (NM_001281493.2, NM_001281494.2); c.3155_3156delAG (NM_000179.2); short protein forms E750fs, E922fs, E1052fs.
Identifiers: ClinVar variation 89340 (VCV000089340.42), dbSNP rs63750833, ClinGen allele CA011648.

ClinVar aggregate classification (germline): Pathogenic. Review status: reviewed by expert panel (3 of 4 stars). 13 submissions from 13 submitters: Pathogenic (1). 12 of the submissions do not count toward it. Last evaluated 2013-09-05.

Conditions:
Hereditary cancer-predisposing syndrome. Also called: Tumor predisposition; Hereditary Cancer Syndrome; Hereditary neoplastic syndrome; Neoplastic Syndromes, Hereditary. Identifiers: Orphanet 140162, MedGen C0027672, MeSH D009386, MONDO:0015356.
Lynch syndrome. Identifiers: Orphanet 144, MedGen C4552100, MONDO:0005835. Disease mechanism: loss of function.
Hereditary nonpolyposis colorectal neoplasms. Identifiers: MedGen C0009405, MeSH D003123.
Lynch syndrome 5 (LYNCH5). Also called: Colorectal cancer, hereditary nonpolyposis, type 5; Hereditary non-polyposis colorectal cancer, type 5. Identifiers: Orphanet 144, MedGen C1833477, MONDO:0013710, OMIM 614350. Disease mechanism: loss of function.
Inherited MMR deficiency (Lynch syndrome).
Hereditary nonpolyposis colon cancer (HNPCC). Also called: Hereditary nonpolyposis colorectal cancer; Familial nonpolyposis colon cancer; Hereditary Nonpolyposis Colorectal Cancer Syndrome. Identifiers: Orphanet 443909, MedGen C1333990, MONDO:0018630. Disease mechanism: loss of function.
Endometrial carcinoma. Also called: Endometrial carcinoma, somatic. Identifiers: MedGen C0476089, MONDO:0002447, OMIM 608089, HP:0012114.

Submissions (13):

International Society for Gastrointestinal Hereditary Tumours (InSiGHT)
Classification: Pathogenic for Lynch Syndrome. Last evaluated: 2013-09-05. Review status: reviewed by expert panel. Criteria: Guidelines v1.9. Collection method: research. Allele origin: germline.
Comment: Coding sequence variation resulting in a stop codon

Classified with v1.9 guidelines

Cambridge Genomics Laboratory, East Genomic Laboratory Hub, NHS Genomic Medicine Service
Classification: Pathogenic for Inherited MMR deficiency (Lynch syndrome). Last evaluated: 2026-01-09. Review status: criteria provided, single submitter. Criteria: ACGS Best Practice Guidelines for Variant Classification in Rare Disease 2020. Collection method: clinical testing. Allele origin: germline. Affected: yes. Not counted in ClinVar's aggregate classification.
Comment: PVS1,PM2_Supporting,PP4_Moderate

Labcorp Genetics (formerly Invitae), Labcorp
Classification: Pathogenic for Hereditary nonpolyposis colorectal neoplasms. Last evaluated: 2025-11-11. Review status: criteria provided, single submitter. Criteria: Invitae Variant Classification Sherloc (09022015). Collection method: clinical testing. Allele origin: germline. Not counted in ClinVar's aggregate classification.
Comment: This sequence change creates a premature translational stop signal (p.Glu1052Valfs*13) in the MSH6 gene. It is expected to result in an absent or disrupted protein product. Loss-of-function variants in MSH6 are known to be pathogenic (PMID: 18269114, 24362816). This variant is not present in population databases (gnomAD no frequency). This premature translational stop signal has been observed in individual(s) with clinical features of Lynch syndrome (PMID: 15872200, 20028993, 26681312, 28514183). Invitae Evidence Modeling of clinical and family history, age, sex, and reported ancestry of multiple individuals with this MSH6 variant has been performed. This variant is expected to be pathogenic with a positive predictive value of at least 99%. This is a validated machine learning model that incorporates the clinical features of 1,627,235 individuals referred to our laboratory for MSH6 testing. ClinVar contains an entry for this variant (Variation ID: 89340). For these reasons, this variant has been classified as Pathogenic.

Quest Diagnostics Nichols Institute San Juan Capistrano
Classification: Pathogenic. Last evaluated: 2025-10-03. Review status: criteria provided, single submitter. Criteria: Quest Diagnostics criteria. Collection method: clinical testing. Allele origin: unknown. Not counted in ClinVar's aggregate classification.
Comment: The MSH6 c.3155_3156del (p.Glu1052Valfs*13) variant alters the translational reading frame of the MSH6 mRNA and causes the premature termination of MSH6 protein synthesis. This variant has been reported in the published literature in individuals with colorectal cancer (PMID: 15872200 (2005), 20028993 (2010)), endometrial cancer (PMID: 26681312 (2015), 33003368 (2020)), breast cancer (PMID: 30128536 (2018)), and prostate cancer (24434690 (2014)). This variant has not been reported in large, multi-ethnic general populations (Genome Aggregation Database). Based on the available information, this variant is classified as pathogenic.

Ambry Genetics
Classification: Pathogenic for Hereditary cancer-predisposing syndrome. Last evaluated: 2024-05-30. Review status: criteria provided, single submitter. Criteria: Ambry Variant Classification Scheme 2023. Collection method: clinical testing. Allele origin: germline. Not counted in ClinVar's aggregate classification.
Comment: The c.3155_3156delAG pathogenic mutation, located in coding exon 4 of the MSH6 gene, results from a deletion of two nucleotides at nucleotide positions 3155 to 3156, causing a translational frameshift with a predicted alternate stop codon (p.E1052Vfs*13). This alteration was also reported in 2/10030 individuals undergoing hereditary cancer panel testing through a clinical laboratory, and both individuals had endometrial cancer (Susswein LR et al. Genet. Med. 2016 Aug;18:823-32). This variant is considered to be rare based on population cohorts in the Genome Aggregation Database (gnomAD). In addition to the clinical data presented in the literature, this alteration is expected to result in loss of function by premature protein truncation or nonsense-mediated mRNA decay. As such, this alteration is interpreted as a disease-causing mutation.

Baylor Genetics
Classification: Pathogenic for Endometrial carcinoma. Last evaluated: 2023-11-27. Review status: criteria provided, single submitter. Criteria: ACMG Guidelines, 2015. Collection method: clinical testing. Allele origin: unknown. Not counted in ClinVar's aggregate classification.

All of Us Research Program, National Institutes of Health
Classification: Pathogenic for Lynch syndrome. Last evaluated: 2023-11-15. Review status: criteria provided, single submitter. Criteria: ACMG Guidelines, 2015. Collection method: clinical testing. Allele origin: germline. Inheritance: Autosomal dominant inheritance. Observed: 1 variant allele, 1 heterozygote. Not counted in ClinVar's aggregate classification.
Comment: The c.3155_3156del (p.Glu1052Valfs*13) variant in the MSH6 gene is located on the exon 4 and is predicted to cause shift of reading frame that introduces a premature translation termination codon (p.Glu1052Valfs*13), resulting in an absent or disrupted protein product. The variant has been identified in multiple individuals with Lynch syndrome-associated cancers (PMID: 33003368, 29345684, 28514183, 24434690, 15872200). Loss-of-function variants in MSH6 are known to be pathogenic (PMID: 30376427, 18269114). The variant is reported in ClinVar as pathogenic (ID: 89340) and reviewed by the expert panel. The variant is absent in the general population database (gnomAD). Therefore, the c.3155_3156del (p.Glu1052Valfs*13) variant of MSH6 has been classified as pathogenic.

This study involves interpretation of variants in research participants for the purpose of population health screening. Participant phenotype was not available at the time of variant classification. Additional details can be found in publication PMID: 35346344, PMCID: PMC8962531

GeneDx
Classification: Pathogenic. Last evaluated: 2023-08-22. Review status: criteria provided, single submitter. Criteria: GeneDx Variant Classification Process June 2021. Collection method: clinical testing. Allele origin: germline. Affected: yes. Not counted in ClinVar's aggregate classification.
Comment: Frameshift variant predicted to result in protein truncation or nonsense mediated decay in a gene for which loss-of-function is a known mechanism of disease; Not observed in large population cohorts (gnomAD); Truncating variants in this gene are considered pathogenic by a well-established clinical consortium and/or database; Observed in individuals with a personal or family history consistent with pathogenic variants in this gene (Hampel et al., 2005; Baglietto et al., 2010; Susswein et al., 2016); This variant is associated with the following publications: (PMID: 24434690, 28514183, 20028993, 26681312, 15872200, 30787465)

Myriad Genetics, Inc.
Classification: Pathogenic for Lynch syndrome 5. Last evaluated: 2023-08-22. Review status: criteria provided, single submitter. Criteria: Myriad Autosomal Dominant, Autosomal Recessive and X-Linked Classification Criteria (2023). Collection method: clinical testing. Allele origin: unknown. Not counted in ClinVar's aggregate classification.
Comment: This variant is considered pathogenic. This variant creates a frameshift predicted to result in premature protein truncation.

Color Diagnostics, LLC DBA Color Health
Classification: Pathogenic for Hereditary cancer-predisposing syndrome. Last evaluated: 2023-05-17. Review status: criteria provided, single submitter. Criteria: ACMG Guidelines, 2015. Collection method: clinical testing. Allele origin: germline. Not counted in ClinVar's aggregate classification.
Comment: This variant deletes 2 nucleotides in exon 4 of the MSH6 gene, creating a frameshift and premature translation stop signal. This variant is expected to result in an absent or non-functional protein product. This variant has been reported in individuals and families affected with Lynch syndrome and Lynch syndrome-associated cancer (PMID: 15872200, 20028993, 26681312, 28514183, 29345684, 33003368), as well as in individuals affected with breast or ovarian cancer (PMID: 30128536) and prostate cancer (PMID: 24434690). This variant has not been identified in the general population by the Genome Aggregation Database (gnomAD). Loss of MSH6 function is a known mechanism of disease. Based on the available evidence, this variant is classified as Pathogenic.

Revvity Omics, Revvity
Classification: Pathogenic. Last evaluated: 2022-04-26. Review status: criteria provided, single submitter. Criteria: ACMG Guidelines, 2015. Collection method: clinical testing. Allele origin: germline. Not counted in ClinVar's aggregate classification.

Women's Health and Genetics/Laboratory Corporation of America, LabCorp
Classification: Pathogenic for Hereditary nonpolyposis colon cancer. Last evaluated: 2020-10-15. Review status: criteria provided, single submitter. Criteria: LabCorp Variant Classification Summary - May 2015. Collection method: clinical testing. Allele origin: germline. Not counted in ClinVar's aggregate classification.
Comment: Variant summary: MSH6 c.3155_3156delAG (p.Glu1052ValfsX13) results in a premature termination codon, predicted to cause a truncation of the encoded protein or absence of the protein due to nonsense mediated decay, which are commonly known mechanisms for disease. Truncations downstream of this position have been classified as pathogenic by our laboratory. The variant was absent in 247410 control chromosomes. c.3155_3156delAG has been reported in the literature in individuals affected with various types of cancer (Hampel_2005, Haraldsdottir_2014, susswein_2016, Espenschied_2017, Lu_2019). These data indicate that the variant is likely to be associated with disease. To our knowledge, no experimental evidence demonstrating an impact on protein function has been reported. Five clinical diagnostic laboratories have submitted clinical-significance assessments for this variant to ClinVar after 2014 without evidence for independent evaluation. All laboratories classified the variant as pathogenic. Based on the evidence outlined above, the variant was classified as pathogenic.

Mayo Clinic Laboratories, Mayo Clinic
Classification: Pathogenic. Review status: no assertion criteria provided. Collection method: research. Allele origin: unknown. Observed: 3 variant alleles. Not counted in ClinVar's aggregate classification.

Literature cited by the submitters: PubMed 18269114 (cited by Labcorp Genetics (formerly Invitae), Labcorp and All of Us Research Program, National Institutes of Health); PubMed 24362816 (cited by Labcorp Genetics (formerly Invitae), Labcorp); PubMed 15872200 (cited by 6 submitters); PubMed 20028993 (cited by 4 submitters); PubMed 26681312 (cited by 5 submitters); PubMed 28514183 (cited by 6 submitters); PubMed 24434690 (cited by 5 submitters); PubMed 30128536 (cited by 3 submitters); PubMed 33003368 (cited by 4 submitters); PubMed 29345684 (cited by 3 submitters); PubMed 30376427 (cited by All of Us Research Program, National Institutes of Health).